The following is an entry in ClinVar:

NM_001270508.2(TNFAIP3):c.2090G>A (p.Arg697Lys)

Gene: TNFAIP3 (TNF alpha induced protein 3; plus strand). Cytogenetic location: 6q23.3.
Variant type: single nucleotide variant.
Coding change: c.2090G>A on transcript NM_001270508.2 (MANE Select); coding-DNA position 2090, G replaced by A.
Protein change: p.Arg697Lys; replaces arginine 697 with lysine.
Molecular consequence: missense variant.
Genome position (GRCh38, 1-based): chr6:137,881,036, G>A. VCF-style: chr6-137881036-G-A. GRCh37 (hg19) VCF-style: chr6-138202173-G-A.
Other names: p.Arg697Lys; c.2090G>A, p.Arg697Lys (NM_001270507.2, NM_006290.4); short protein forms R697K.
Identifiers: ClinVar variation 1113112 (VCV001113112.50), dbSNP rs201429571, ClinGen allele CA4019797.

ClinVar aggregate classification (germline): Conflicting classifications of pathogenicity. Review status: criteria provided, conflicting classifications (1 of 4 stars). 9 submissions from 9 submitters: Uncertain significance (3); Likely benign (4). 2 of the submissions do not count toward it. Last evaluated 2026-04-01.

Conditions:
Autoinflammatory syndrome, familial, Behcet-like. Identifiers: MedGen CN234876, MONDO:0031384.

Allele frequency attached by ClinVar (database versions not stated): ESP Exome Variant Server 0.00015; gnomAD exomes 0.00022 and 0.00032; ExAC 0.00026; gnomAD 0.00034 and 0.00036; 1000 Genomes Project 0.00040; TOPMed 0.00045; 1000 Genomes Project 30x 0.00047.
gnomAD v4.1: 392 of 1,590,296 alleles (0.025%); highest among the groups gnomAD compares: Middle Eastern, 0.52%; 1 homozygote.

Submissions (9):

CeGaT Center for Human Genetics Tuebingen
Classification: Likely benign. Last evaluated: 2026-04-01. Review status: criteria provided, single submitter. Criteria: CeGaT Center For Human Genetics Tuebingen Variant Classification Criteria Version 2. Collection method: clinical testing. Allele origin: germline. Affected: yes. Observed: 4 variant alleles.
Comment: TNFAIP3: BS1

Women's Health and Genetics/Laboratory Corporation of America, LabCorp
Classification: Likely benign. Last evaluated: 2026-01-13. Review status: criteria provided, single submitter. Criteria: LabCorp Variant Classification Summary - May 2015. Collection method: clinical testing. Allele origin: germline.
Comment: Variant summary: TNFAIP3 c.2090G>A (p.Arg697Lys) results in a conservative amino acid change in the encoded protein sequence. Algorithms developed to predict the effect of missense changes on protein structure and function are either unavailable or do not agree on the potential impact of this missense change. Consensus agreement among computation tools predict no significant impact on normal splicing. However, these predictions have yet to be confirmed by functional studies. The variant allele was found at a frequency of 0.00032 in 238678 control chromosomes in the gnomAD database, including one homozygote. The observed variant frequency exceeds the estimated maximal expected allele frequency for disease-causing variants in TNFAIP3. To our knowledge, no occurrence of c.2090G>A in individuals affected with TNFAIP3-related conditions and no experimental evidence demonstrating its impact on protein function have been reported. ClinVar contains an entry for this variant (Variation ID: 1113112). Based on the evidence outlined above, the variant was classified as likely benign.

Labcorp Genetics (formerly Invitae), Labcorp
Classification: Likely benign. Last evaluated: 2025-12-15. Review status: criteria provided, single submitter. Criteria: Invitae Variant Classification Sherloc (09022015). Collection method: clinical testing. Allele origin: germline.

Mayo Clinic Laboratories, Mayo Clinic
Classification: Uncertain significance. Last evaluated: 2025-09-01. Review status: criteria provided, single submitter. Criteria: ACMG Guidelines, 2015. Collection method: clinical testing. Allele origin: germline. Observed: 2 variant alleles.
Comment: BP4_moderate

Blueprint Genetics
Classification: Likely benign. Last evaluated: 2024-10-30. Review status: criteria provided, single submitter. Criteria: ACMG Guidelines, 2015. Collection method: clinical testing. Allele origin: germline.

Center for Genomics, Ann and Robert H. Lurie Children's Hospital of Chicago
Classification: Uncertain significance for Autoinflammatory syndrome, familial, Behcet-like 1. Last evaluated: 2022-02-16. Review status: criteria provided, single submitter. Criteria: ACMG Guidelines, 2015. Collection method: clinical testing. Allele origin: germline.
Comment: TNFAIP3 NM_006290.3 exon 9 p.Arg697Lys (c.2090G>A):This variant has not been reported in the literature but is present in 0.09% (30/32488) of Latino alleles as well as 1 homozygote in the Genome Aggregation Database. This variant is present in ClinVar (Variation ID:1113112). Evolutionary conservation suggests that this variant may impact the protein; computational predictive tools suggest that this variant may not impact the protein. Of note, this variant occurs in the second to last nucleotide of the exon; variants in this position may affect slicing. However, splice prediction tools do not suggest that this variant may affect splicing. Further studies are needed to understand its impact. In summary, data on this variant is insufficient for disease classification. Therefore, the clinical significance of this variant is uncertain.

ARUP Laboratories, Molecular Genetics and Genomics, ARUP Laboratories
Classification: Uncertain significance for Autoinflammatory syndrome, familial, Behcet-like 1. Last evaluated: 2021-02-09. Review status: criteria provided, single submitter. Criteria: ARUP Molecular Germline Variant Investigation Process 2021. Collection method: clinical testing. Allele origin: germline.
Comment: The TNFAIP3 c.2090G>A; p.Arg697Lys variant (rs201429571), to our knowledge, is not reported in the medical literature. The variant is found in the general population with an overall allele frequency of 0.03% (82/270,060 alleles including 1 homozygote) in the Genome Aggregation Database. The arginine at codon 697 is highly conserved, but computational analyses predict that this variant is neutral (REVEL: 0.074). Due to limited information, the clinical significance of the p.Arg697Lys variant is uncertain at this time.

Clinical Genetics DNA and cytogenetics Diagnostics Lab, Erasmus MC, Erasmus Medical Center
Classification: Likely benign. Review status: no assertion criteria provided. Collection method: clinical testing. Allele origin: germline. Affected: yes. Study: VKGL Data-share Consensus. Not counted in ClinVar's aggregate classification.

Genome Diagnostics Laboratory, University Medical Center Utrecht
Classification: Likely benign. Review status: no assertion criteria provided. Collection method: clinical testing. Allele origin: germline. Affected: yes. Study: VKGL Data-share Consensus. Not counted in ClinVar's aggregate classification.